The following is an entry in ClinVar:

NM_005431.2(XRCC2):c.784A>G (p.Ser262Gly)

Gene: XRCC2 (X-ray repair cross complementing 2; minus strand). Cytogenetic location: 7q36.1.
Variant type: single nucleotide variant.
Coding change: c.784A>G on transcript NM_005431.2 (MANE Select); coding-DNA position 784, A replaced by G.
Protein change: p.Ser262Gly; replaces serine 262 with glycine.
Molecular consequence: missense variant.
Genome position (GRCh38, 1-based): chr7:152,648,701, T>C on the plus strand (A>G on the coding strand, the complement: XRCC2 is on the minus strand). VCF-style: chr7-152648701-T-C. GRCh37 (hg19) VCF-style: chr7-152345786-T-C.
Other names: short protein forms S262G.
Identifiers: ClinVar variation 3224699 (VCV003224699.1), dbSNP rs2485880277, ClinGen allele CA370197949.

ClinVar aggregate classification (germline): Uncertain significance (1 of 4 stars; one submission).

Conditions:
Hereditary cancer-predisposing syndrome. Also called: Tumor predisposition; Hereditary neoplastic syndrome; Hereditary Cancer Syndrome; Neoplastic Syndromes, Hereditary. Identifiers: Orphanet 140162, MedGen C0027672, MeSH D009386, MONDO:0015356.

Submission:

Ambry Genetics
Classification: Uncertain significance for Hereditary cancer-predisposing syndrome. Last evaluated: 2023-11-30. Review status: criteria provided, single submitter. Criteria: Ambry Variant Classification Scheme 2023. Collection method: clinical testing. Allele origin: germline.
Comment: The p.S262G variant (also known as c.784A>G), located in coding exon 3 of the XRCC2 gene, results from an A to G substitution at nucleotide position 784. The serine at codon 262 is replaced by glycine, an amino acid with similar properties. This amino acid position is conserved. In addition, this alteration is predicted to be tolerated by in silico analysis. Since supporting evidence is limited at this time, the clinical significance of this alteration remains unclear.